The following is an entry in ClinVar:

NM_002878.4(RAD51D):c.577G>T (p.Val193Leu)

Genes: RAD51D (RAD51 paralog D; minus strand), RAD51L3-RFFL (RAD51L3-RFFL readthrough; minus strand). Cytogenetic location: 17q12.
Variant type: single nucleotide variant.
Coding change: c.577G>T on transcript NM_002878.4 (MANE Select); coding-DNA position 577, G replaced by T.
Protein change: p.Val193Leu; replaces valine 193 with leucine.
Molecular consequence: missense variant. On other transcripts: non-coding transcript variant (3).
Genome position (GRCh38, 1-based): chr17:35,103,544, C>A on the plus strand (G>T on the coding strand, the complement: RAD51D is on the minus strand). VCF-style: chr17-35103544-C-A. GRCh37 (hg19) VCF-style: chr17-33430563-C-A.
Other names: c.637G>T, p.Val213Leu (NM_001142571.2); c.241G>T, p.Val81Leu (NM_133629.3); short protein forms V81L, V213L, V193L.
Identifiers: ClinVar variation 1392467 (VCV001392467.11), dbSNP rs2142421210, ClinGen allele CA399087999.

ClinVar aggregate classification (germline): Uncertain significance. Review status: criteria provided, multiple submitters, no conflicts (2 of 4 stars). 2 submissions from 2 submitters: Uncertain significance (2). Last evaluated 2025-10-02.

Conditions:
Hereditary cancer-predisposing syndrome. Also called: Neoplastic Syndromes, Hereditary; Hereditary neoplastic syndrome; Tumor predisposition; Hereditary Cancer Syndrome. Identifiers: Orphanet 140162, MedGen C0027672, MeSH D009386, MONDO:0015356.
Breast-ovarian cancer, familial, susceptibility to, 4. Identifiers: Orphanet 145, MedGen C3280345, MONDO:0013669, OMIM 614291.

Allele frequency attached by ClinVar (database versions not stated): gnomAD exomes below 0.00001.
gnomAD v4.1: 1 of 1,613,546 alleles (0.000062%); highest among the groups gnomAD compares: Non-Finnish European, 0.000085%; no homozygotes.

Submissions (2):

Ambry Genetics
Classification: Uncertain significance for Hereditary cancer-predisposing syndrome. Last evaluated: 2025-10-02. Review status: criteria provided, single submitter. Criteria: Ambry Variant Classification Scheme 2023. Collection method: clinical testing. Allele origin: germline.
Comment: The p.V193L variant (also known as c.577G>T) is located in coding exon 7 of the RAD51D gene. The valine at codon 193 is replaced by leucine, an amino acid with highly similar properties. This change occurs in the first base pair of coding exon 7. This amino acid position is well conserved in available vertebrate species. In addition, this alteration is predicted to be tolerated by in silico analysis. Since supporting evidence is limited at this time, the clinical significance of this alteration remains unclear.

Labcorp Genetics (formerly Invitae), Labcorp
Classification: Uncertain significance for Breast-ovarian cancer, familial, susceptibility to, 4. Last evaluated: 2025-03-11. Review status: criteria provided, single submitter. Criteria: Invitae Variant Classification Sherloc (09022015). Collection method: clinical testing. Allele origin: germline.
Comment: This sequence change replaces valine, which is neutral and non-polar, with leucine, which is neutral and non-polar, at codon 193 of the RAD51D protein (p.Val193Leu). This variant is not present in population databases (gnomAD no frequency). This variant has not been reported in the literature in individuals affected with RAD51D-related conditions. ClinVar contains an entry for this variant (Variation ID: 1392467). An algorithm developed to predict the effect of missense changes on protein structure and function (PolyPhen-2) suggests that this variant is likely to be tolerated. Studies have shown that this missense change is associated with inconclusive levels of altered splicing (internal data). In summary, the available evidence is currently insufficient to determine the role of this variant in disease. Therefore, it has been classified as a Variant of Uncertain Significance.